The following is an entry in ClinVar:

NM_000059.4(BRCA2):c.4687T>C (p.Trp1563Arg)

Gene: BRCA2 (BRCA2 DNA repair associated; plus strand). Cytogenetic location: 13q13.1.
Variant type: single nucleotide variant.
Coding change: c.4687T>C on transcript NM_000059.4 (MANE Select); coding-DNA position 4687, T replaced by C.
Protein change: p.Trp1563Arg; replaces tryptophan 1563 with arginine.
Molecular consequence: missense variant. On other transcripts: non-coding transcript variant (1), intron variant (2).
Genome position (GRCh38, 1-based): chr13:32,339,042, T>C. VCF-style: chr13-32339042-T-C. GRCh37 (hg19) VCF-style: chr13-32913179-T-C.
Other names: c.4687T>C, p.Trp1563Arg (NM_001406719.1, NM_001406720.1, NM_001432077.1); c.1910-5516T>C (NM_001406721.1); c.425-5516T>C (NM_001406722.1); short protein forms W1563R.
Identifiers: ClinVar variation 3636481 (VCV003636481.2).

ClinVar aggregate classification (germline): Uncertain significance (1 of 4 stars; one submission).

Conditions:
Hereditary breast ovarian cancer syndrome. Also called: Hereditary breast and ovarian cancer syndrome; Hereditary breast and ovarian cancer syndrome (HBOC); BRCA1- and BRCA2-Associated Hereditary Breast and Ovarian Cancer; Hereditary breast and ovarian cancer; Breast and ovarian cancer; Hereditary breast and/or ovarian cancer syndrome. Identifiers: Orphanet 145, MedGen C0677776, MeSH D061325, MONDO:0003582. Disease mechanism: loss of function.

Submission:

Labcorp Genetics (formerly Invitae), Labcorp
Classification: Uncertain significance for Hereditary breast ovarian cancer syndrome. Last evaluated: 2024-08-11. Review status: criteria provided, single submitter. Criteria: Invitae Variant Classification Sherloc (09022015). Collection method: clinical testing. Allele origin: germline.
Comment: This sequence change replaces tryptophan, which is neutral and slightly polar, with arginine, which is basic and polar, at codon 1563 of the BRCA2 protein (p.Trp1563Arg). This variant is not present in population databases (gnomAD no frequency). This variant has not been reported in the literature in individuals affected with BRCA2-related conditions. Advanced modeling of protein sequence and biophysical properties (such as structural, functional, and spatial information, amino acid conservation, physicochemical variation, residue mobility, and thermodynamic stability) performed at Invitae indicates that this missense variant is not expected to disrupt BRCA2 protein function with a negative predictive value of 95%. In summary, the available evidence is currently insufficient to determine the role of this variant in disease. Therefore, it has been classified as a Variant of Uncertain Significance.